The following is an entry in ClinVar:

ClinVar aggregate classification (germline): Conflicting classifications of pathogenicity. Review status: criteria provided, conflicting classifications (1 of 4 stars). 4 submissions from 3 submitters: Uncertain significance (1); Benign (1); Likely benign (2). Last evaluated 2025-10-06.

Conditions:
MYH3-related disorder. Also called: MYH3-Related Disorders; MYH3-related condition. Identifiers: MedGen CN239329.
Distal arthrogryposis type 2B1 (DA2B1). Also called: Arthrogryposis multiplex congenita distal type II with craniofacial abnormalities. Identifiers: Orphanet 1147, MedGen C5193014, MONDO:0020820, OMIM 601680.
Freeman-Sheldon syndrome (DA2A). Also called: WHISTLING FACE-WINDMILL VANE HAND SYNDROME; CRANIOCARPOTARSAL DYSPLASIA; CRANIOCARPOTARSAL DYSTROPHY; Arthrogryposis, distal, type 2A (Freeman-Sheldon). Identifiers: Orphanet 2053, MedGen C0265224, MONDO:0008675, OMIM 193700.

Allele frequency attached by ClinVar (database versions not stated): TOPMed 0.00008; gnomAD 0.00010; ESP Exome Variant Server 0.00015; 1000 Genomes Project 30x 0.00016; 1000 Genomes Project 0.00020; gnomAD exomes 0.00023; ExAC 0.00030.
gnomAD v4.1: 308 of 1,614,178 alleles (0.019%); highest among the groups gnomAD compares: East Asian, 0.036%; no homozygotes.

Submissions (4):

Labcorp Genetics (formerly Invitae), Labcorp
Classification: Likely benign. Last evaluated: 2025-10-06. Review status: criteria provided, single submitter. Criteria: Invitae Variant Classification Sherloc (09022015). Collection method: clinical testing. Allele origin: germline.

PreventionGenetics, part of Exact Sciences
Classification: Likely benign for MYH3-related condition. Last evaluated: 2024-10-23. Review status: criteria provided, single submitter. Criteria: ACMG Guidelines, 2015. Collection method: clinical testing. Allele origin: germline.
Comment: This variant is classified as likely benign based on ACMG/AMP sequence variant interpretation guidelines (Richards et al. 2015 PMID: 25741868, with internal and published modifications).

Illumina Laboratory Services, Illumina
Classification: Uncertain significance for Distal arthrogryposis type 2B1. Last evaluated: 2018-01-13. Review status: criteria provided, single submitter. Criteria: ICSL Variant Classification Criteria 13 December 2019. Collection method: clinical testing. Allele origin: germline.

Illumina Laboratory Services, Illumina
Classification: Benign for Freeman-Sheldon syndrome. Last evaluated: 2018-01-13. Review status: criteria provided, single submitter. Criteria: ICSL Variant Classification Criteria 13 December 2019. Collection method: clinical testing. Allele origin: germline.
Comment: This variant was observed in the ICSL laboratory as part of a predisposition screen in an ostensibly healthy population. It had not been previously curated by ICSL or reported in the Human Gene Mutation Database (HGMD: prior to June 1st, 2018), and was therefore a candidate for classification through an automated scoring system. Utilizing variant allele frequency, disease prevalence and penetrance estimates, and inheritance mode, an automated score was calculated to assess if this variant is too frequent to cause the disease. Based on the score and internal cut-off values, a variant classified as benign is not then subjected to further curation. The score for this variant resulted in a classification of benign for this disease.

NM_002470.4(MYH3):c.5331C>T (p.Ser1777=)

Gene: MYH3 (myosin heavy chain 3; minus strand). Cytogenetic location: 17p13.1.
Variant type: single nucleotide variant.
Coding change: c.5331C>T on transcript NM_002470.4 (MANE Select); coding-DNA position 5331, C replaced by T.
Protein change: p.Ser1777=; no amino-acid change (serine 1777 retained).
Molecular consequence: synonymous variant.
Genome position (GRCh38, 1-based): chr17:10,630,414, G>A on the plus strand (C>T on the coding strand, the complement: MYH3 is on the minus strand). VCF-style: chr17-10630414-G-A. GRCh37 (hg19) VCF-style: chr17-10533731-G-A.
Identifiers: ClinVar variation 321716 (VCV000321716.13), dbSNP rs200111154, ClinGen allele CA8391961.
Genomic context (GRCh38, chr17:10,630,414, plus strand): 5'-ACGATGCTGCAGGTCCTTCACCGTCTGTTCCAGGTTCTTCTTCATCCGCTCAAGGTGGGC[G>A]CTGGTGTCCTGCTCCTTCTTCAGCTCCTCCGCCATCATGGCAGCCTGAAAAGCACATGGG-3'
Protein context (NP_002461.2, residues 1767-1787): AEELKKEQDT[Ser1777=]AHLERMKKNL